The following is an entry in ClinVar:

ClinVar aggregate classification (germline): Likely benign (0 of 4 stars; one submission).

Conditions:
ZNF141-related disorder. Also called: ZNF141-related condition.

Allele frequency attached by ClinVar (database versions not stated): gnomAD exomes 0.00005; TOPMed 0.00011; gnomAD 0.00017; ExAC 0.00037; 1000 Genomes Project 30x 0.00187; 1000 Genomes Project 0.00200.
gnomAD v4.1: 121 of 1,607,414 alleles (0.0075%); highest among the groups gnomAD compares: East Asian, 0.16%; no homozygotes.

Submission:

PreventionGenetics, part of Exact Sciences
Classification: Likely benign for ZNF141-related condition. Last evaluated: 2020-09-03. Review status: no assertion criteria provided. Collection method: clinical testing. Allele origin: germline.
Comment: This variant is classified as likely benign based on ACMG/AMP sequence variant interpretation guidelines (Richards et al. 2015 PMID: 25741868, with internal and published modifications).

NM_003441.4(ZNF141):c.198G>A (p.Lys66=)

Gene: ZNF141 (zinc finger protein 141; plus strand). Cytogenetic location: 4p16.3.
Variant type: single nucleotide variant.
Coding change: c.198G>A on transcript NM_003441.4 (MANE Select); coding-DNA position 198, G replaced by A.
Protein change: p.Lys66=; no amino-acid change (lysine 66 retained).
Molecular consequence: synonymous variant. On other transcripts: intron variant (1).
Genome position (GRCh38, 1-based): chr4:344,402, G>A. VCF-style: chr4-344402-G-A. GRCh37 (hg19) VCF-style: chr4-338191-G-A.
Other names: c.198G>A, p.Lys66= (NM_001348278.2, NM_001348279.2, NM_001348280.2); c.-3+6416G>A (NM_001348277.2).
Identifiers: ClinVar variation 3055365 (VCV003055365.2), dbSNP rs189278615, ClinGen allele CA2791589.
Genomic context (GRCh38, chr4:344,402, plus strand): 5'-TATCTCTAACCCAGACCTGGTCACCTGTCTGGAGCAAAGAAAAGAGCCCTACAATGTGAA[G>A]ATACATAAGATCGTAGCCAGACCCCCAGGTAGGTGAGAGTGAATGGAGGAGAGGGCACAG-3'
Protein context (NP_003432.1, residues 56-76): LEQRKEPYNV[Lys66=]IHKIVARPPA